The following is an entry in ClinVar:

ClinVar aggregate classification (germline): Uncertain significance (1 of 4 stars; one submission).

Conditions:
Melnick-Needles syndrome (MNS). Also called: MELNICK-NEEDLES OSTEODYSPLASTY; Melnick-Needles Syndrome (FLNA-MNS); OSTEODYSPLASTY OF MELNICK AND NEEDLES. Identifiers: Orphanet 2484, MedGen C0025237, MONDO:0010650, OMIM 309350.
Frontometaphyseal dysplasia (FMD1). Identifiers: Orphanet 1826, MedGen C0265293, MONDO:0015942.
Heterotopia, periventricular, X-linked dominant (PVNH1). Also called: PERIVENTRICULAR NODULAR HETEROTOPIA 1; X-linked periventricular heterotopia; PERIVENTRICULAR NODULAR HETEROTOPIA 4; HETEROTOPIA, PERIVENTRICULAR, 1. Identifiers: Orphanet 2149, Orphanet 82004, MedGen C1848213, MONDO:0010233, OMIM 300049.
Oto-palato-digital syndrome, type II (OPD2). Also called: FACIOPALATOOSSEOUS SYNDROME; Otopalatodigital Syndrome Type 2 (FLNA-OPD2); OPD II SYNDROME; Otopalatodigital Syndrome, Type II. Identifiers: Orphanet 669, Orphanet 90652, MedGen C1844696, MONDO:0010571, OMIM 304120.

Allele frequency attached by ClinVar (database versions not stated): TOPMed below 0.00001; gnomAD 0.00001; gnomAD exomes 0.00002.
gnomAD v4.1: 27 of 1,209,387 alleles (0.0022%); highest among the groups gnomAD compares: Non-Finnish European, 0.003%; no homozygotes.

Submission:

Labcorp Genetics (formerly Invitae), Labcorp
Classification: Uncertain significance for Oto-palato-digital syndrome, type II; Heterotopia, periventricular, X-linked dominant; Frontometaphyseal dysplasia; Melnick-Needles syndrome. Last evaluated: 2023-01-28. Review status: criteria provided, single submitter. Criteria: Invitae Variant Classification Sherloc (09022015). Collection method: clinical testing. Allele origin: germline.
Comment: This sequence change replaces serine, which is neutral and polar, with asparagine, which is neutral and polar, at codon 118 of the FLNA protein (p.Ser118Asn). This variant is not present in population databases (gnomAD no frequency). This variant has not been reported in the literature in individuals affected with FLNA-related conditions. ClinVar contains an entry for this variant (Variation ID: 1414612). Advanced modeling of protein sequence and biophysical properties (such as structural, functional, and spatial information, amino acid conservation, physicochemical variation, residue mobility, and thermodynamic stability) performed at Invitae indicates that this missense variant is not expected to disrupt FLNA protein function. In summary, the available evidence is currently insufficient to determine the role of this variant in disease. Therefore, it has been classified as a Variant of Uncertain Significance.

NM_001110556.2(FLNA):c.353G>A (p.Ser118Asn)

Gene: FLNA (filamin A; minus strand). Cytogenetic location: Xq28.
Variant type: single nucleotide variant.
Coding change: c.353G>A on transcript NM_001110556.2 (MANE Select); coding-DNA position 353, G replaced by A.
Protein change: p.Ser118Asn; replaces serine 118 with asparagine.
Molecular consequence: missense variant.
Genome position (GRCh38, 1-based): chrX:154,370,893, C>T on the plus strand (G>A on the coding strand, the complement: FLNA is on the minus strand). VCF-style: chrX-154370893-C-T. GRCh37 (hg19) VCF-style: chrX-153599261-C-T.
Other names: c.353G>A, p.Ser118Asn (NM_001456.4); short protein forms S118N.
Identifiers: ClinVar variation 1414612 (VCV001414612.6), dbSNP rs1406549914, ClinGen allele CA415254216.